The following is an entry in ClinVar:

ClinVar aggregate classification (germline): Benign. Review status: criteria provided, multiple submitters, no conflicts (2 of 4 stars). 4 submissions from 2 submitters: Benign (4). Last evaluated 2018-01-13.

Conditions:
Cone-rod dystrophy 2 (CORD2). Also called: CONE-ROD RETINAL DYSTROPHY; Cone-rod retinal dystrophy 2. Identifiers: Orphanet 1872, MedGen C3489532, MONDO:0007362, OMIM 120970.
Leber congenital amaurosis 7 (LCA7). Identifiers: Orphanet 65, MedGen C3151192, MONDO:0013449, OMIM 613829.
Retinitis pigmentosa (RP). Identifiers: Orphanet 791, MedGen C0035334, MeSH D012174, MONDO:0019200, OMIM 268000. Inheritance: Autosomal dominant, autosomal recessive and X linked inheritance.

Allele frequency attached by ClinVar (database versions not stated): 1000 Genomes Project 0.21386; 1000 Genomes Project 30x 0.21690; TOPMed 0.29402; gnomAD 0.30117 and 0.30261; gnomAD exomes 0.36364.
gnomAD v4.1: 45,903 of 152,162 alleles (30%); highest among the groups gnomAD compares: Non-Finnish European, 40%; 7,939 homozygotes.

Submissions (4):

Illumina Laboratory Services, Illumina
Classification: Benign for Cone-rod dystrophy 2. Last evaluated: 2018-01-13. Review status: criteria provided, single submitter. Criteria: ICSL Variant Classification Criteria 13 December 2019. Collection method: clinical testing. Allele origin: germline.
Comment: This variant was observed in the ICSL laboratory as part of a predisposition screen in an ostensibly healthy population. It had not been previously curated by ICSL or reported in the Human Gene Mutation Database (HGMD: prior to June 1st, 2018), and was therefore a candidate for classification through an automated scoring system. Utilizing variant allele frequency, disease prevalence and penetrance estimates, and inheritance mode, an automated score was calculated to assess if this variant is too frequent to cause the disease. Based on the score and internal cut-off values, a variant classified as benign is not then subjected to further curation. The score for this variant resulted in a classification of benign for this disease.

Illumina Laboratory Services, Illumina
Classification: Benign for Retinitis pigmentosa. Last evaluated: 2018-01-13. Review status: criteria provided, single submitter. Criteria: ICSL Variant Classification Criteria 13 December 2019. Collection method: clinical testing. Allele origin: germline.
Comment: the same text as in the submission from Illumina Laboratory Services, Illumina above.

Illumina Laboratory Services, Illumina
Classification: Benign for Leber congenital amaurosis 7. Last evaluated: 2018-01-13. Review status: criteria provided, single submitter. Criteria: ICSL Variant Classification Criteria 13 December 2019. Collection method: clinical testing. Allele origin: germline.
Comment: the same text as in the submission from Illumina Laboratory Services, Illumina above.

Breakthrough Genomics
Classification: Benign. Review status: criteria provided, single submitter. Criteria: ACMG Guidelines, 2015. Collection method: not provided. Allele origin: germline. Inheritance: Autosomal dominant inheritance. Affected: yes.

NM_000554.6(CRX):c.*3301T>C

Gene: CRX (cone-rod homeobox; plus strand). Cytogenetic location: 19q13.33.
Variant type: single nucleotide variant.
Coding change: c.*3301T>C on transcript NM_000554.6 (MANE Select); 3301 bases downstream of the stop codon, T replaced by C.
Molecular consequence: 3 prime UTR variant.
Genome position (GRCh38, 1-based): chr19:47,843,268, T>C. VCF-style: chr19-47843268-T-C. GRCh37 (hg19) VCF-style: chr19-48346525-T-C.
Identifiers: ClinVar variation 329783 (VCV000329783.6), dbSNP rs11670620, ClinGen allele CA10652178.
Genomic context (GRCh38, chr19:47,843,268, plus strand): 5'-AGGAGCCTCCCTGAGAAGGTGTCACCTTATCTGTCCTCCTCTTCCCCACACACTGGCCTC[T>C]GGGTCCCCCTTCTCTGTCCACCCACAGAGTGAAACCAATTAAAATGTTGGATCTCATTTA-3'